The following is an entry in ClinVar:

ClinVar aggregate classification (germline): Conflicting classifications of pathogenicity. Review status: criteria provided, conflicting classifications (1 of 4 stars). 2 submissions from 2 submitters: Uncertain significance (1); Likely benign (1). Last evaluated 2025-04-07.

Conditions:
Hereditary cancer-predisposing syndrome. Also called: Hereditary Cancer Syndrome; Neoplastic Syndromes, Hereditary; Hereditary neoplastic syndrome; Tumor predisposition. Identifiers: Orphanet 140162, MedGen C0027672, MeSH D009386, MONDO:0015356.

Allele frequency attached by ClinVar (database versions not stated): gnomAD 0.00001; TOPMed 0.00001.
gnomAD v4.1: 11 of 1,601,964 alleles (0.00069%); highest among the groups gnomAD compares: Admixed American, 0.0017%; no homozygotes.

Submissions (2):

Labcorp Genetics (formerly Invitae), Labcorp
Classification: Uncertain significance for Hereditary cancer-predisposing syndrome. Last evaluated: 2025-04-07. Review status: criteria provided, single submitter. Criteria: Invitae Variant Classification Sherloc (09022015). Collection method: clinical testing. Allele origin: germline.
Comment: This sequence change falls in intron 5 of the RAD50 gene. It does not directly change the encoded amino acid sequence of the RAD50 protein. It affects a nucleotide within the consensus splice site. This variant is not present in population databases (gnomAD no frequency). This variant has not been reported in the literature in individuals affected with RAD50-related conditions. ClinVar contains an entry for this variant (Variation ID: 142928). Variants that disrupt the consensus splice site are a relatively common cause of aberrant splicing (PMID: 17576681, 9536098). Algorithms developed to predict the effect of sequence changes on RNA splicing suggest that this variant is not likely to affect RNA splicing. In summary, the available evidence is currently insufficient to determine the role of this variant in disease. Therefore, it has been classified as a Variant of Uncertain Significance.

Ambry Genetics
Classification: Likely benign for Hereditary cancer-predisposing syndrome. Last evaluated: 2020-02-28. Review status: criteria provided, single submitter. Criteria: Ambry Variant Classification Scheme 2023. Collection method: clinical testing. Allele origin: germline.

Literature cited by the submitters: PubMed 17576681 (cited by Labcorp Genetics (formerly Invitae), Labcorp); PubMed 9536098 (cited by Labcorp Genetics (formerly Invitae), Labcorp).

NM_005732.4(RAD50):c.756+5C>T

Gene: RAD50 (RAD50 double strand break repair protein; plus strand). Cytogenetic location: 5q31.1.
Variant type: single nucleotide variant.
Coding change: c.756+5C>T on transcript NM_005732.4 (MANE Select); 5 bases into the intron after coding-DNA position 756, C replaced by T.
Molecular consequence: intron variant.
Genome position (GRCh38, 1-based): chr5:132,580,071, C>T. VCF-style: chr5-132580071-C-T. GRCh37 (hg19) VCF-style: chr5-131915763-C-T.
Identifiers: ClinVar variation 142928 (VCV000142928.15), dbSNP rs587782827, ClinGen allele CA169796.